The following is an entry in ClinVar:

ClinVar aggregate classification (germline): Uncertain significance (1 of 4 stars; one submission).

Conditions:
Severe combined immunodeficiency due to IKK2 deficiency. Also called: IMMUNODEFICIENCY 15B; Immunodeficiency 15. Identifiers: Orphanet 397787, MedGen C4747743, MONDO:0014267, OMIM 615592.

Allele frequency attached by ClinVar (database versions not stated): TOPMed below 0.00001.

Submission:

Labcorp Genetics (formerly Invitae), Labcorp
Classification: Uncertain significance for Severe combined immunodeficiency due to IKK2 deficiency. Last evaluated: 2022-06-08. Review status: criteria provided, single submitter. Criteria: Invitae Variant Classification Sherloc (09022015). Collection method: clinical testing. Allele origin: germline.
Comment: In summary, the available evidence is currently insufficient to determine the role of this variant in disease. Therefore, it has been classified as a Variant of Uncertain Significance. Advanced modeling of protein sequence and biophysical properties (such as structural, functional, and spatial information, amino acid conservation, physicochemical variation, residue mobility, and thermodynamic stability) performed at Invitae indicates that this missense variant is not expected to disrupt IKBKB protein function. This variant has not been reported in the literature in individuals affected with IKBKB-related conditions. This variant is not present in population databases (gnomAD no frequency). This sequence change replaces serine, which is neutral and polar, with threonine, which is neutral and polar, at codon 692 of the IKBKB protein (p.Ser692Thr).

NM_001556.3(IKBKB):c.2074T>A (p.Ser692Thr)

Gene: IKBKB (inhibitor of nuclear factor kappa B kinase subunit beta; plus strand). Cytogenetic location: 8p11.21.
Variant type: single nucleotide variant.
Coding change: c.2074T>A on transcript NM_001556.3 (MANE Select); coding-DNA position 2074, T replaced by A.
Protein change: p.Ser692Thr; replaces serine 692 with threonine.
Molecular consequence: missense variant. On other transcripts: non-coding transcript variant (3).
Genome position (GRCh38, 1-based): chr8:42,326,057, T>A. VCF-style: chr8-42326057-T-A. GRCh37 (hg19) VCF-style: chr8-42183575-T-A.
Other names: c.1882T>A, p.Ser628Thr (NM_001190720.3); c.1897T>A, p.Ser633Thr (NM_001242778.2); short protein forms S628T, S692T, S633T.
Identifiers: ClinVar variation 2108278 (VCV002108278.4), dbSNP rs1197588215, ClinGen allele CA371093870.